The following is an entry in ClinVar:

ClinVar aggregate classification (germline): Pathogenic (1 of 4 stars; one submission).

Conditions:
Biotinidase deficiency. Also called: BTD deficiency; Late-onset biotin-responsive multiple carboxylase deficiency; Biotin deficiency. Identifiers: Orphanet 79241, MedGen C0220754, MONDO:0009665, OMIM 253260.

Submission:

Myriad Genetics, Inc.
Classification: Pathogenic for Biotinidase deficiency. Last evaluated: 2025-03-12. Review status: criteria provided, single submitter. Criteria: Myriad Autosomal Dominant, Autosomal Recessive and X-Linked Classification Criteria (2023). Collection method: clinical testing. Allele origin: unknown.
Comment: NM_000060.2(BTD):c.1248_1249insA(V417Sfs*28) is a frameshift variant classified as pathogenic in the context of biotinidase deficiency. V417Sfs*28 has not been observed in cases with relevant disease. Relevant functional assessments of this variant are not available in the literature. V417Sfs*28 has not been observed in referenced population frequency databases. In summary, NM_000060.2(BTD):c.1248_1249insA(V417Sfs*28) is a frameshift variant in a gene where loss of function is a known mechanism of disease and is predicted to disrupt protein function. Please note: this variant was assessed in the context of healthy population screening.

NM_001370658.1(BTD):c.1188_1189insA (p.Val397fs)

Gene: BTD (biotinidase; plus strand). Cytogenetic location: 3p25.1.
Variant type: Insertion.
Coding change: c.1188_1189insA on transcript NM_001370658.1 (MANE Select); coding-DNA positions 1188 to 1189, A inserted.
Protein change: p.Val397fs; shifts the reading frame from valine 397.
Molecular consequence: frameshift variant. On other transcripts: intron variant (8).
Genome position: GRCh38 VCF-style: chr3-15645104-C-CA. GRCh37 (hg19) VCF-style: chr3-15686611-C-CA.
Other names: c.1188_1189insA, p.Val397fs (NM_001281723.4, NM_001281724.3, NM_001281725.3 and 16 more transcripts); c.1015+173_1015+174insA (NM_001370752.1, NM_001407379.1); c.399+3047_399+3048insA (NM_001370753.1, NM_001407400.1, NM_001407401.1 and 3 more transcripts); short protein forms V397fs.
Identifiers: ClinVar variation 4081601 (VCV004081601.1).